The following is an entry in ClinVar:

ClinVar aggregate classification (germline): Uncertain significance (1 of 4 stars; one submission).

Conditions:
Inborn genetic diseases. Identifiers: MedGen C0950123, MeSH D030342.

gnomAD v4.1: 1 of 1,612,666 alleles (0.000062%); highest among the groups gnomAD compares: African/African-American, 0.0013%; no homozygotes.

Submission:

Ambry Genetics
Classification: Uncertain significance for Inborn genetic diseases. Last evaluated: 2024-10-13. Review status: criteria provided, single submitter. Criteria: Ambry Variant Classification Scheme 2023. Collection method: clinical testing. Allele origin: germline.
Comment: The p.V30A variant (also known as c.89T>C), located in coding exon 2 of the ATR gene, results from a T to C substitution at nucleotide position 89. The valine at codon 30 is replaced by alanine, an amino acid with similar properties. This amino acid position is conserved. In addition, the in silico prediction for this alteration is inconclusive. Based on the available evidence, the clinical significance of this variant remains unclear.

NM_001184.4(ATR):c.89T>C (p.Val30Ala)

Gene: ATR (ATR serine/threonine kinase; minus strand). Cytogenetic location: 3q23.
Variant type: single nucleotide variant.
Coding change: c.89T>C on transcript NM_001184.4 (MANE Select); coding-DNA position 89, T replaced by C.
Protein change: p.Val30Ala; replaces valine 30 with alanine.
Molecular consequence: missense variant.
Genome position (GRCh38, 1-based): chr3:142,568,125, A>G on the plus strand (T>C on the coding strand, the complement: ATR is on the minus strand). VCF-style: chr3-142568125-A-G. GRCh37 (hg19) VCF-style: chr3-142286967-A-G.
Other names: c.89T>C, p.Val30Ala (NM_001354579.2); short protein forms V30A.
Identifiers: ClinVar variation 3463053 (VCV003463053.1).